The following is an entry in ClinVar:

ClinVar aggregate classification (germline): Uncertain significance (1 of 4 stars; one submission).

Conditions:
Hereditary cancer-predisposing syndrome. Also called: Tumor predisposition; Hereditary Cancer Syndrome; Hereditary neoplastic syndrome; Neoplastic Syndromes, Hereditary. Identifiers: Orphanet 140162, MedGen C0027672, MeSH D009386, MONDO:0015356.

Submission:

Ambry Genetics
Classification: Uncertain significance for Hereditary cancer-predisposing syndrome. Last evaluated: 2024-06-10. Review status: criteria provided, single submitter. Criteria: Ambry Variant Classification Scheme 2023. Collection method: clinical testing. Allele origin: germline.
Comment: The p.S549T variant (also known as c.1645T>A), located in coding exon 4 of the MSH6 gene, results from a T to A substitution at nucleotide position 1645. The serine at codon 549 is replaced by threonine, an amino acid with similar properties. This amino acid position is not well conserved in available vertebrate species. In addition, this alteration is predicted to be tolerated by in silico analysis. Based on the available evidence, the clinical significance of this variant remains unclear.

NM_000179.3(MSH6):c.1645T>A (p.Ser549Thr)

Gene: MSH6 (mutS homolog 6; plus strand). Cytogenetic location: 2p16.3.
Variant type: single nucleotide variant.
Coding change: c.1645T>A on transcript NM_000179.3 (MANE Select); coding-DNA position 1645, T replaced by A.
Protein change: p.Ser549Thr; replaces serine 549 with threonine.
Molecular consequence: missense variant. On other transcripts: non-coding transcript variant (4), intron variant (2).
Genome position (GRCh38, 1-based): chr2:47,799,628, T>A. VCF-style: chr2-47799628-T-A. GRCh37 (hg19) VCF-style: chr2-48026767-T-A.
Other names: c.1255T>A, p.Ser419Thr (NM_001281492.2); c.739T>A, p.Ser247Thr (NM_001281493.2, NM_001281494.2, NM_001406823.1 and 6 more transcripts); c.1741T>A, p.Ser581Thr (NM_001406795.1, NM_001406802.1); c.1645T>A, p.Ser549Thr (NM_001406796.1, NM_001406798.1, NM_001406800.1 and 3 more transcripts); c.1348T>A, p.Ser450Thr (NM_001406797.1, NM_001406801.1, NM_001406805.1 and 10 more transcripts); c.1120T>A, p.Ser374Thr (NM_001406799.1, NM_001406806.1, NM_001406807.1); c.1567T>A, p.Ser523Thr (NM_001406804.1); c.1477T>A, p.Ser493Thr (NM_001406826.1); and 3 more; short protein forms S374T, S549T, S419T, S493T, S523T, S551T, S581T, S247T.
Identifiers: ClinVar variation 3296410 (VCV003296410.1).